The following is an entry in ClinVar:

NM_003036.4(SKI):c.1184C>G (p.Pro395Arg)

Gene: SKI (SKI proto-oncogene; plus strand). Cytogenetic location: 1p36.32.
Variant type: single nucleotide variant.
Coding change: c.1184C>G on transcript NM_003036.4 (MANE Select); coding-DNA position 1184, C replaced by G.
Protein change: p.Pro395Arg; replaces proline 395 with arginine.
Molecular consequence: missense variant.
Genome position (GRCh38, 1-based): chr1:2,303,373, C>G. VCF-style: chr1-2303373-C-G. GRCh37 (hg19) VCF-style: chr1-2234812-C-G.
Other names: short protein forms P395R.
Identifiers: ClinVar variation 1742981 (VCV001742981.2), dbSNP rs2521475829, ClinGen allele CA337954598.
Genomic context (GRCh38, chr1:2,303,373, plus strand): 5'-GCCTCTCTGCTTTCCGACCCTGGTCCCCCGCAGTGTCAGCGAGTGAGAAAGAGCTCTCCC[C>G]ACACCTCCCGGCCCTCATCCGAGACAGGTGAGTGGGCGCCATTCACAGGTGTTTCTGATC-3'
Protein context (NP_003027.1, residues 385-405): AVSASEKELS[Pro395Arg]HLPALIRDSF

ClinVar aggregate classification (germline): Uncertain significance (1 of 4 stars; one submission).

Conditions:
Familial thoracic aortic aneurysm and aortic dissection (TAAD). Also called: Thoracic aortic aneurysms and dissections. Identifiers: Orphanet 91387, MedGen C4707243, MONDO:0019625.

gnomAD v4.1: 1 of 1,613,536 alleles (0.000062%); highest among the groups gnomAD compares: Non-Finnish European, 0.000085%; no homozygotes.

Submission:

Ambry Genetics
Classification: Uncertain significance for Familial thoracic aortic aneurysm and aortic dissection. Last evaluated: 2022-05-24. Review status: criteria provided, single submitter. Criteria: Ambry Variant Classification Scheme 2023. Collection method: clinical testing. Allele origin: germline.
Comment: The p.P395R variant (also known as c.1184C>G), located in coding exon 3 of the SKI gene, results from a C to G substitution at nucleotide position 1184. The proline at codon 395 is replaced by arginine, an amino acid with dissimilar properties. This amino acid position is conserved. In addition, this alteration is predicted to be tolerated by in silico analysis. Since supporting evidence is limited at this time, the clinical significance of this alteration remains unclear.